The following is an entry in ClinVar:

NM_001031710.3(KLHL7):c.405T>C (p.Asp135=)

Gene: KLHL7 (kelch like family member 7; plus strand). Cytogenetic location: 7p15.3.
Variant type: single nucleotide variant.
Coding change: c.405T>C on transcript NM_001031710.3 (MANE Select); coding-DNA position 405, T replaced by C.
Protein change: p.Asp135=; no amino-acid change (aspartic acid 135 retained).
Molecular consequence: synonymous variant. On other transcripts: non-coding transcript variant (2).
Genome position (GRCh38, 1-based): chr7:23,125,135, T>C. VCF-style: chr7-23125135-T-C. GRCh37 (hg19) VCF-style: chr7-23164754-T-C.
Other names: c.405T>C (NM_001031710.2); c.405T>C, p.Asp135= (NM_001172428.2); c.261T>C, p.Asp87= (NM_018846.5).
Identifiers: ClinVar variation 1099591 (VCV001099591.10), dbSNP rs749041391, ClinGen allele CA4186377.

ClinVar aggregate classification (germline): Likely benign. Review status: criteria provided, multiple submitters, no conflicts (2 of 4 stars). 2 submissions from 2 submitters: Likely benign (2). Last evaluated 2026-08-14.

Conditions:
KLHL7-related disorder. Also called: KLHL7-related disorders; KLHL7-related condition.

Allele frequency attached by ClinVar (database versions not stated): TOPMed below 0.00001; gnomAD exomes 0.00001 and 0.00005; ExAC 0.00008.
gnomAD v4.1: 20 of 1,613,452 alleles (0.0012%); highest among the groups gnomAD compares: Admixed American, 0.032%; no homozygotes.

Submissions (2):

PreventionGenetics, part of Exact Sciences
Classification: Likely benign for KLHL7-related condition. Last evaluated: 2026-08-14. Review status: criteria provided, single submitter. Criteria: ACMG Guidelines, 2015. Collection method: clinical testing. Allele origin: germline.
Comment: This variant is classified as likely benign based on ACMG/AMP sequence variant interpretation guidelines (Richards et al. 2015 PMID: 25741868, with internal and published modifications).

Labcorp Genetics (formerly Invitae), Labcorp
Classification: Likely benign. Last evaluated: 2024-07-22. Review status: criteria provided, single submitter. Criteria: Invitae Variant Classification Sherloc (09022015). Collection method: clinical testing. Allele origin: germline.